The following is an entry in ClinVar:

NM_020778.5(ALPK3):c.286T>C (p.Phe96Leu)

Gene: ALPK3 (alpha kinase 3; plus strand). Cytogenetic location: 15q25.3.
Variant type: single nucleotide variant.
Coding change: c.286T>C on transcript NM_020778.5 (MANE Select); coding-DNA position 286, T replaced by C.
Protein change: p.Phe96Leu; replaces phenylalanine 96 with leucine.
Molecular consequence: missense variant.
Genome position (GRCh38, 1-based): chr15:84,827,587, T>C. VCF-style: chr15-84827587-T-C. GRCh37 (hg19) VCF-style: chr15-85370818-T-C.
Other names: short protein forms F96L.
Identifiers: ClinVar variation 2880668 (VCV002880668.3), dbSNP rs2505697282, ClinGen allele CA393371137.
Genomic context (GRCh38, chr15:84,827,587, plus strand): 5'-CAGCCGCTATTTGAGACCACGCTCAAGTCCCGGTCTGTGTCCGAGGACAGCGACGTCAGG[T>C]TCACCTGCATCGTCACAGGTAAGGATGCTGTCTGTATGCTCCATGCCAGGGCCTCTGCAC-3'
Protein context (NP_065829.4, residues 86-106): RSVSEDSDVR[Phe96Leu]TCIVTGYPEP

ClinVar aggregate classification (germline): Uncertain significance (1 of 4 stars; one submission).

Allele frequency attached by ClinVar (database versions not stated): gnomAD exomes below 0.00001.
gnomAD v4.1: 2 of 1,614,134 alleles (0.00012%); highest among the groups gnomAD compares: South Asian, 0.0022%; no homozygotes.

Submission:

Labcorp Genetics (formerly Invitae), Labcorp
Classification: Uncertain significance. Last evaluated: 2025-02-05. Review status: criteria provided, single submitter. Criteria: Invitae Variant Classification Sherloc (09022015). Collection method: clinical testing. Allele origin: germline.
Comment: This sequence change replaces phenylalanine, which is neutral and non-polar, with leucine, which is neutral and non-polar, at codon 298 of the ALPK3 protein (p.Phe298Leu). This variant is not present in population databases (gnomAD no frequency). This variant has not been reported in the literature in individuals affected with ALPK3-related conditions. ClinVar contains an entry for this variant (Variation ID: 2880668). An algorithm developed to predict the effect of missense changes on protein structure and function (PolyPhen-2) suggests that this variant is likely to be disruptive. In summary, the available evidence is currently insufficient to determine the role of this variant in disease. Therefore, it has been classified as a Variant of Uncertain Significance.